The following is an entry in ClinVar:

ClinVar aggregate classification (germline): Uncertain significance (1 of 4 stars; one submission).

Allele frequency attached by ClinVar (database versions not stated): TOPMed 0.00001.
gnomAD v4.1: 1 of 1,613,544 alleles (0.000062%); highest among the groups gnomAD compares: South Asian, 0.0011%; no homozygotes.

Submission:

Mayo Clinic Laboratories, Mayo Clinic
Classification: Uncertain significance. Last evaluated: 2022-04-27. Review status: criteria provided, single submitter. Criteria: ACMG Guidelines, 2015. Collection method: clinical testing. Allele origin: germline. Observed: 1 variant allele.
Comment: BP4

NM_001370466.1(NOD2):c.1430G>T (p.Gly477Val)

Gene: NOD2 (nucleotide binding oligomerization domain containing 2; plus strand). Cytogenetic location: 16q12.1.
Variant type: single nucleotide variant.
Coding change: c.1430G>T on transcript NM_001370466.1 (MANE Select); coding-DNA position 1430, G replaced by T.
Protein change: p.Gly477Val; replaces glycine 477 with valine.
Molecular consequence: missense variant. On other transcripts: non-coding transcript variant (1).
Genome position (GRCh38, 1-based): chr16:50,711,422, G>T. VCF-style: chr16-50711422-G-T. GRCh37 (hg19) VCF-style: chr16-50745333-G-T.
Other names: p.Gly504Val; c.1430G>T, p.Gly477Val (NM_001293557.2); c.1511G>T, p.Gly504Val (NM_022162.3); short protein forms G477V, G504V.
Identifiers: ClinVar variation 2683367 (VCV002683367.1), dbSNP rs775823953, ClinGen allele CA8051558.
Genomic context (GRCh38, chr16:50,711,422, plus strand): 5'-ACCTGCCTGTCTTCTCATGGATGGTGTCCAAATGCCACCAGGAACTGTTGCTGCAGGAGG[G>T]GGGGTCCCCAAAGACCACTACAGATATGTACCTGCTGATTCTGCAGCATTTTCTGCTGCA-3'
Protein context (NP_001357395.1, residues 467-487): KCHQELLLQE[Gly477Val]GSPKTTTDMY